The following is an entry in ClinVar:

NM_018052.5(VAC14):c.2192_2197dup (p.Ser731_Leu732dup)

Gene: VAC14 (VAC14 component of PIKFYVE complex; minus strand). Cytogenetic location: 16q22.1.
Variant type: Duplication.
Coding change: c.2192_2197dup on transcript NM_018052.5 (MANE Select); coding-DNA positions 2192 to 2197, 6 bases duplicated (GTCTAA; older notation c.2192_2197dupGTCTAA).
Protein change: p.Ser731_Leu732dup.
Molecular consequence: inframe insertion.
Genome position (GRCh38, 1-based): chr16:70,688,080-70,688,085, TTAGAC duplicated on the plus strand (GTCTAA on the coding strand, the reverse complement: VAC14 is on the minus strand); duplicating any 6 consecutive bases within chr16:70,688,080-70,688,086 gives the same sequence; the c. name uses the placement nearest the transcript's 3' end. VCF-style (leftmost placement, unchanged base first): chr16-70688079-T-TTTAGAC. GRCh37 (hg19) VCF-style: chr16-70721982-T-TTTAGAC.
Other names: c.1490_1495dup, p.Ser497_Leu498dup (NM_001351157.2).
Identifiers: ClinVar variation 1500539 (VCV001500539.8), dbSNP rs1476792169, ClinGen allele CA723376418.
Genomic context (GRCh38, chr16:70,688,079, plus strand): 5'-TGCAGCAGCTCTGCGTAGTCGATGCTAGGGGAGTCAGCTTTCTGGGACTTGGGGGCTGCC[T>TTTAGAC]TTAGACTGTCTCTGGGAAGAGGGAGCAGAAATGCTCAGTGTCAGGGATCAGCTCACAGGG-3'

ClinVar aggregate classification (germline): Uncertain significance (1 of 4 stars; one submission).

Submission:

Labcorp Genetics (formerly Invitae), Labcorp
Classification: Uncertain significance. Last evaluated: 2021-08-05. Review status: criteria provided, single submitter. Criteria: Invitae Variant Classification Sherloc (09022015). Collection method: clinical testing. Allele origin: germline.
Comment: In summary, the available evidence is currently insufficient to determine the role of this variant in disease. Therefore, it has been classified as a Variant of Uncertain Significance. This variant, c.2192_2197dup, results in the insertion of 2 amino acid(s) to the VAC14 protein (p.Ser731_Leu732dup), but otherwise preserves the integrity of the reading frame. This variant is not present in population databases (ExAC no frequency). This variant has not been reported in the literature in individuals with VAC14-related conditions. Experimental studies and prediction algorithms are not available or were not evaluated, and the functional significance of this variant is currently unknown.